The following is an entry in ClinVar:

ClinVar aggregate classification (germline): Uncertain significance (1 of 4 stars; one submission).

Submission:

GeneDx
Classification: Uncertain significance. Last evaluated: 2024-12-13. Review status: criteria provided, single submitter. Criteria: GeneDx Variant Classification Process June 2021. Collection method: clinical testing. Allele origin: germline. Affected: yes.
Comment: Not observed at significant frequency in large population cohorts (gnomAD); In silico analysis supports that this missense variant has a deleterious effect on protein structure/function; Has not been previously published as pathogenic or benign to our knowledge

NM_012199.5(AGO1):c.553G>A (p.Gly185Ser)

Gene: AGO1 (argonaute RISC component 1; plus strand). Cytogenetic location: 1p34.3.
Variant type: single nucleotide variant.
Coding change: c.553G>A on transcript NM_012199.5 (MANE Select); coding-DNA position 553, G replaced by A.
Protein change: p.Gly185Ser; replaces glycine 185 with serine.
Molecular consequence: missense variant.
Genome position (GRCh38, 1-based): chr1:35,893,714, G>A. VCF-style: chr1-35893714-G-A. GRCh37 (hg19) VCF-style: chr1-36359315-G-A.
Other names: c.553G>A, p.Gly185Ser (NM_001317122.2); c.328G>A, p.Gly110Ser (NM_001317123.2); short protein forms G110S, G185S.
Identifiers: ClinVar variation 3902971 (VCV003902971.1).